The following is an entry in ClinVar:

ClinVar aggregate classification (germline): Uncertain significance. Review status: criteria provided, multiple submitters, no conflicts (2 of 4 stars). 2 submissions from 2 submitters: Uncertain significance (2). Last evaluated 2025-11-19.

Conditions:
Severe early-onset pulmonary alveolar proteinosis due to MARS deficiency. Also called: PULMONARY ALVEOLAR PROTEINOSIS, REUNION ISLAND; Interstitial lung and liver disease. Identifiers: Orphanet 440427, MedGen C4225400, MONDO:0014206, OMIM 615486.
Charcot-Marie-Tooth disease axonal type 2U. Also called: CHARCOT-MARIE-TOOTH NEUROPATHY, TYPE 2U; CHARCOT-MARIE-TOOTH DISEASE, AXONAL, AUTOSOMAL DOMINANT, TYPE 2U. Identifiers: Orphanet 397735, MedGen C4084821, MONDO:0014566, OMIM 616280.

Allele frequency attached by ClinVar (database versions not stated): TOPMed 0.00002; gnomAD 0.00003.
gnomAD v4.1: 8 of 1,613,854 alleles (0.0005%); highest among the groups gnomAD compares: African/African-American, 0.0093%; no homozygotes.

Submissions (2):

Ambry Genetics
Classification: Uncertain significance. Last evaluated: 2025-11-19. Review status: criteria provided, single submitter. Criteria: Ambry Variant Classification Scheme 2023. Collection method: clinical testing. Allele origin: germline.

Labcorp Genetics (formerly Invitae), Labcorp
Classification: Uncertain significance for Charcot-Marie-Tooth disease axonal type 2U; Severe early-onset pulmonary alveolar proteinosis due to MARS deficiency. Last evaluated: 2023-03-29. Review status: criteria provided, single submitter. Criteria: Invitae Variant Classification Sherloc (09022015). Collection method: clinical testing. Allele origin: germline.
Comment: In summary, the available evidence is currently insufficient to determine the role of this variant in disease. Therefore, it has been classified as a Variant of Uncertain Significance. An algorithm developed to predict the effect of missense changes on protein structure and function (PolyPhen-2) suggests that this variant is likely to be tolerated. This variant has not been reported in the literature in individuals affected with MARS-related conditions. This variant is present in population databases (no rsID available, gnomAD 0.007%). This sequence change replaces threonine, which is neutral and polar, with isoleucine, which is neutral and non-polar, at codon 178 of the MARS protein (p.Thr178Ile).

NM_004990.4(MARS1):c.533C>T (p.Thr178Ile)

Gene: MARS1 (methionyl-tRNA synthetase 1; plus strand). Cytogenetic location: 12q13.3.
Variant type: single nucleotide variant.
Coding change: c.533C>T on transcript NM_004990.4 (MANE Select); coding-DNA position 533, C replaced by T.
Protein change: p.Thr178Ile; replaces threonine 178 with isoleucine.
Molecular consequence: missense variant.
Genome position (GRCh38, 1-based): chr12:57,490,249, C>T. VCF-style: chr12-57490249-C-T. GRCh37 (hg19) VCF-style: chr12-57884032-C-T.
Other names: c.533C>T (NM_004990.3); short protein forms T178I.
Identifiers: ClinVar variation 2925099 (VCV002925099.4), dbSNP rs1394369709, ClinGen allele CA385491868.